The following is an entry in ClinVar:

ClinVar aggregate classification (germline): Likely benign (1 of 4 stars; one submission).

Conditions:
Early-onset generalized limb-onset dystonia. Also called: DYSTONIA MUSCULORUM DEFORMANS 1; Oppenheim's dystonia; Early onset torsion dystonia; DYT-TOR1A; Dystonia-1, torsion; Dystonia 1, modifier of. Identifiers: Orphanet 256, MedGen C1851945, MONDO:0007492, OMIM 128100.

Allele frequency attached by ClinVar (database versions not stated): gnomAD 0.00020 and 0.00038; TOPMed 0.00023; gnomAD exomes 0.00073; 1000 Genomes Project 30x 0.00125; 1000 Genomes Project 0.00160.
gnomAD v4.1: 986 of 1,463,208 alleles (0.067%); highest among the groups gnomAD compares: East Asian, 2.2%; 17 homozygotes.

Submission:

Illumina Laboratory Services, Illumina
Classification: Likely benign for Early-onset generalized limb-onset dystonia. Last evaluated: 2018-01-13. Review status: criteria provided, single submitter. Criteria: ICSL Variant Classification Criteria 13 December 2019. Collection method: clinical testing. Allele origin: germline.
Comment: This variant was observed in the ICSL laboratory as part of a predisposition screen in an ostensibly healthy population. It had not been previously curated by ICSL or reported in the Human Gene Mutation Database (HGMD: prior to June 1st, 2018), and was therefore a candidate for classification through an automated scoring system. Utilizing variant allele frequency, disease prevalence and penetrance estimates, and inheritance mode, an automated score was calculated to assess if this variant is too frequent to cause the disease. Based on the score and internal cut-off values, a variant classified as likely benign is not then subjected to further curation. The score for this variant resulted in a classification of likely benign for this disease.

NM_000113.3(TOR1A):c.*112G>C

Gene: TOR1A (torsin family 1 member A; minus strand). Cytogenetic location: 9q34.11.
Variant type: single nucleotide variant.
Coding change: c.*112G>C on transcript NM_000113.3 (MANE Select); 112 bases downstream of the stop codon, G replaced by C.
Molecular consequence: 3 prime UTR variant.
Genome position (GRCh38, 1-based): chr9:129,813,860, C>G on the plus strand (G>C on the coding strand, the complement: TOR1A is on the minus strand). VCF-style: chr9-129813860-C-G. GRCh37 (hg19) VCF-style: chr9-132576139-C-G.
Identifiers: ClinVar variation 365232 (VCV000365232.5), dbSNP rs75881350, ClinGen allele CA10632525.
Genomic context (GRCh38, chr9:129,813,860, plus strand): 5'-CTGCAGGCACCAGGGGGTGGAAACAATGCCAGGGAGAATTCCTGTCACATCAAACAGGAA[C>G]ATTCACTGGATTCCTCTTCCAGGGAAAGGAGCTGGGGGTGGAAGTGTGGAAGGACTGAGT-3'